The following is an entry in ClinVar:

NM_019023.5(PRMT7):c.1944C>T (p.Ala648=)

Gene: PRMT7 (protein arginine methyltransferase 7; plus strand). Cytogenetic location: 16q22.1.
Variant type: single nucleotide variant.
Coding change: c.1944C>T on transcript NM_019023.5 (MANE Select); coding-DNA position 1944, C replaced by T.
Protein change: p.Ala648=; no amino-acid change (alanine 648 retained).
Molecular consequence: synonymous variant. On other transcripts: non-coding transcript variant (12).
Genome position (GRCh38, 1-based): chr16:68,357,089, C>T. VCF-style: chr16-68357089-C-T. GRCh37 (hg19) VCF-style: chr16-68390992-C-T.
Other names: c.1794C>T, p.Ala598= (NM_001184824.4); c.1944C>T, p.Ala648= (NM_001290018.2, NM_001351143.3, NM_001378018.1); c.1947C>T, p.Ala649= (NM_001351144.3); c.1737C>T, p.Ala579= (NM_001378020.1); c.1707C>T, p.Ala569= (NM_001378021.1, NM_001378022.1, NM_001378023.1); c.1944C>T (NM_019023.2).
Identifiers: ClinVar variation 2646662 (VCV002646662.25), dbSNP rs768884535, ClinGen allele CA8127716.

ClinVar aggregate classification (germline): Likely benign. Review status: criteria provided, multiple submitters, no conflicts (2 of 4 stars). 2 submissions from 2 submitters: Likely benign (2). Last evaluated 2026-09-14.

Conditions:
PRMT7-related disorder. Also called: PRMT7-related condition.

Allele frequency attached by ClinVar (database versions not stated): gnomAD exomes 0.00003; ExAC 0.00007; gnomAD 0.00007; TOPMed 0.00007.
gnomAD v4.1: 58 of 1,612,586 alleles (0.0036%); highest among the groups gnomAD compares: South Asian, 0.0099%; no homozygotes.

Submissions (2):

PreventionGenetics, part of Exact Sciences
Classification: Likely benign for PRMT7-related condition. Last evaluated: 2026-09-14. Review status: criteria provided, single submitter. Criteria: ACMG Guidelines, 2015. Collection method: clinical testing. Allele origin: germline.
Comment: This variant is classified as likely benign based on ACMG/AMP sequence variant interpretation guidelines (Richards et al. 2015 PMID: 25741868, with internal and published modifications).

CeGaT Center for Human Genetics Tuebingen
Classification: Likely benign. Last evaluated: 2022-04-01. Review status: criteria provided, single submitter. Criteria: CeGaT Center For Human Genetics Tuebingen Variant Classification Criteria Version 2. Collection method: clinical testing. Allele origin: germline. Affected: yes. Observed: 1 variant allele.
Comment: PRMT7: BP4, BP7